The following is an entry in ClinVar:

ClinVar aggregate classification (germline): Pathogenic (1 of 4 stars; one submission).

Conditions:
Bainbridge-Ropers syndrome. Also called: Severe feeding difficulties-failure to thrive-microcephaly due to ASXL3 deficiency syndrome. Identifiers: Orphanet 352577, MedGen C4750837, MONDO:0014205, OMIM 615485.

Submission:

Human Genome Lab, NIMHANS, National Institute of Mental Health and Neuro Sciences
Classification: Pathogenic for Bainbridge-Ropers syndrome. Last evaluated: 2026-01-31. Review status: criteria provided, single submitter. Criteria: ACMG Guidelines, 2015. Collection method: clinical testing. Allele origin: germline. Inheritance: Autosomal dominant inheritance. Affected: yes. Observed: 1 variant allele, 1 heterozygote.
Comment: CT Brain show fusion of the cranial sutures. The variant is novel (not observed in any individuals in 1KG, gnomAD and our inhouse database). This variant is predicted to cause loss of normal protein function through protein truncation caused a frameshift mutation. The frame shifted sequence continues 2 residues until a stop codon is reached. This variant is a frameshift variant which occurs in an exon of ASXL3 upstream of where nonsense mediated decay is predicted to occur. There are 137 downstream pathogenic loss of function variants, with the furthest variant being 1670 residues downstream of this variant. This indicates that the region is critical to protein function. The p.Glu560Thrfs*2 variant is a loss of function variant in the gene ASXL3, which is intolerant of Loss of Function variants, as indicated by the presence of existing pathogenic loss of function variant NP_085135.1:p.P180Lfs*5 and 131 others. For these reasons, this variant has been classified as Pathogenic. (ACMG criteria - PM2 PVS1 PP4)

NM_030632.3(ASXL3):c.1670_1676dup (p.Lys559_Glu560insThrTer)

Gene: ASXL3 (ASXL transcriptional regulator 3; plus strand). Cytogenetic location: 18q12.1.
Variant type: Duplication.
Coding change: c.1670_1676dup on transcript NM_030632.3 (MANE Select); coding-DNA positions 1670 to 1676, 7 bases duplicated (AACATAA; older notation c.1670_1676dupAACATAA).
Protein change: p.Lys559_Glu560insThrTer.
Molecular consequence: nonsense.
Genome position (GRCh38, 1-based): chr18:33,739,074-33,739,080, AACATAA duplicated. VCF-style (leftmost placement, unchanged base first): chr18-33739073-G-GAACATAA. GRCh37 (hg19) VCF-style: chr18-31319037-G-GAACATAA.
Identifiers: ClinVar variation 4851260 (VCV004851260.1).